The following is an entry in ClinVar:

ClinVar aggregate classification (germline): Uncertain significance. Review status: criteria provided, multiple submitters, no conflicts (2 of 4 stars). 2 submissions from 2 submitters: Uncertain significance (2). Last evaluated 2022-07-18.

Conditions:
Brugada syndrome. Also called: Sudden unexplained nocturnal death syndrome; Sudden unexpected nocturnal death syndrome; Sudden Unexplained Death Syndrome; Sudden Unexplained Nocturnal Death Syndrome (SUNDS). Identifiers: Orphanet 130, MedGen C1142166, MONDO:0015263.

Allele frequency attached by ClinVar (database versions not stated): TOPMed 0.00001.
gnomAD v4.1: 7 of 1,613,788 alleles (0.00043%); highest among the groups gnomAD compares: Middle Eastern, 0.049%; no homozygotes.

Submissions (2):

Labcorp Genetics (formerly Invitae), Labcorp
Classification: Uncertain significance for Brugada syndrome. Last evaluated: 2022-07-18. Review status: criteria provided, single submitter. Criteria: Invitae Variant Classification Sherloc (09022015). Collection method: clinical testing. Allele origin: germline.
Comment: This variant is not present in population databases (gnomAD no frequency). This sequence change replaces glycine, which is neutral and non-polar, with arginine, which is basic and polar, at codon 269 of the GPD1L protein (p.Gly269Arg). In summary, the available evidence is currently insufficient to determine the role of this variant in disease. Therefore, it has been classified as a Variant of Uncertain Significance. Algorithms developed to predict the effect of sequence changes on RNA splicing suggest that this variant may create or strengthen a splice site. Algorithms developed to predict the effect of missense changes on protein structure and function (SIFT, PolyPhen-2, Align-GVGD) all suggest that this variant is likely to be tolerated. ClinVar contains an entry for this variant (Variation ID: 191447). This variant has not been reported in the literature in individuals affected with GPD1L-related conditions.

Biesecker Lab/Clinical Genomics Section, National Institutes of Health
Classification: Uncertain significance. Last evaluated: 2013-06-24. Review status: criteria provided, single submitter. Criteria: Ng et al. (Circ Cardiovasc Genet. 2013). Collection method: research. Allele origin: unknown. Observed: 1 variant allele. Study: ClinSeq.
Comment: The study set was not selected for affection status in relation to any cancer. Pathogenicity categories were based on literature curation. See Pubmed ID:23861362 for details.

Medical sequencing

NM_015141.4(GPD1L):c.805G>A (p.Gly269Arg)

Gene: GPD1L (glycerol-3-phosphate dehydrogenase 1 like; plus strand). Cytogenetic location: 3p22.3.
Variant type: single nucleotide variant.
Coding change: c.805G>A on transcript NM_015141.4 (MANE Select); coding-DNA position 805, G replaced by A.
Protein change: p.Gly269Arg; replaces glycine 269 with arginine.
Molecular consequence: missense variant.
Genome position (GRCh38, 1-based): chr3:32,159,062, G>A. VCF-style: chr3-32159062-G-A. GRCh37 (hg19) VCF-style: chr3-32200554-G-A.
Other names: short protein forms G269R.
Identifiers: ClinVar variation 191447 (VCV000191447.4), dbSNP rs786205268, ClinGen allele CA236689.